The following continues an entry in ClinVar:

NM_000138.5(FBN1):c.1027G>A (p.Gly343Arg)

ClinVar aggregate classification (germline): Conflicting classifications of pathogenicity. Uncertain significance (7); Likely benign (13).

Submissions 7 to 23 of 23:

GeneDx
Classification: Uncertain significance. Last evaluated: 2024-12-17. Review status: criteria provided, single submitter. Criteria: GeneDx Variant Classification Process June 2021. Collection method: clinical testing. Allele origin: germline. Affected: yes.
Comment: Published in association with confirmed or suspected Marfan syndrome as well as carotid artery dissection or thoracic aortic aneurysm; however, one individual was found to harbor another variant that likely contributed to the phenotype, and an affected relative of a different proband was reported to be absent for this variant (PMID: 17253931, 17663468, 24311428, 26684006, 31008308, 29357934, 36889877); Does not affect a cysteine or calcium-binding residue within an EGF-like domain or a TGF-binding protein domain of the FBN1 gene; cysteine substitutions in the EGF-like domains represent the majority of pathogenic missense changes associated with FBN1-related disorders (PMID: 12938084); In silico analysis supports that this missense variant has a deleterious effect on protein structure/function; This variant is associated with the following publications: (PMID: 25637381, 27647783, 24311428, 24941995, 26332594, 25812041, 26684006, 28254189, 29357934, 30122538, 17663468, 31008308, 17253931, 33910934, 31322791, 35886052, 36889877, 12938084)

Blueprint Genetics
Classification: Likely benign. Last evaluated: 2024-11-26. Review status: criteria provided, single submitter. Criteria: ACMG Guidelines, 2015. Collection method: clinical testing. Allele origin: germline.

Cambridge Genomics Laboratory, East Genomic Laboratory Hub, NHS Genomic Medicine Service
Classification: Uncertain significance for Lipodystrophy - childhood onset. Last evaluated: 2024-10-31. Review status: criteria provided, single submitter. Criteria: ACGS Best Practice Guidelines for Variant Classification in Rare Disease 2020. Collection method: clinical testing. Allele origin: germline. Affected: yes.
Comment: PP3,BS1_Strong

Centre of Medical Genetics, University of Antwerp
Classification: Uncertain significance for Familial thoracic aortic aneurysm and aortic dissection. Last evaluated: 2024-09-06. Review status: criteria provided, single submitter. Criteria: ACMG Guidelines, 2015. Collection method: clinical testing. Allele origin: germline. Affected: yes.

Color Diagnostics, LLC DBA Color Health
Classification: Likely benign for Familial thoracic aortic aneurysm and aortic dissection. Last evaluated: 2024-03-28. Review status: criteria provided, single submitter. Criteria: ACMG Guidelines, 2015. Collection method: clinical testing. Allele origin: germline.

All of Us Research Program, National Institutes of Health
Classification: Uncertain significance for Marfan syndrome. Last evaluated: 2024-02-05. Review status: criteria provided, single submitter. Criteria: ACMG Guidelines, 2015. Collection method: clinical testing. Allele origin: germline. Inheritance: Autosomal dominant inheritance. Observed: 71 variant alleles, 71 heterozygotes.
Comment: This missense variant replaces glycine with arginine at codon 343 of the FBN1 protein. Computational prediction suggests that this variant may have deleterious impact on protein structure and function (internally defined REVEL score threshold >= 0.7, PMID: 27666373). To our knowledge, functional studies have not been reported for this variant. This variant has been reported in a few individuals suspected of having Marfan syndrome (PMID: 17253931, 17663468, 24311428). This variant has been reported in an individual affected with cervical artery dissection (PMID: 31008308); this individual also carried a pathogenic variant in the COL3A1 gene. This variant has been identified in 52/282706 chromosomes in the general population by the Genome Aggregation Database (gnomAD). The available evidence is insufficient to determine the role of this variant in disease conclusively. Therefore, this variant is classified as a Variant of Uncertain Significance.

This study involves interpretation of variants in research participants for the purpose of population health screening. Participant phenotype was not available at the time of variant classification. Additional details can be found in publication PMID: 35346344, PMCID: PMC8962531

Illumina Laboratory Services, Illumina
Classification: Likely benign for Stiff skin syndrome. Last evaluated: 2018-05-30. Review status: criteria provided, single submitter. Criteria: ICSL Variant Classification Criteria 13 December 2019. Collection method: clinical testing. Allele origin: germline.
Comment: This variant was observed as part of a predisposition screen in an ostensibly healthy population. A literature search was performed for the gene, cDNA change, and amino acid change (where applicable). No publications were found based on this search. Allele frequency data from public databases allowed determination this variant is unlikely to cause disease. Therefore, this variant is classified as likely benign.

Illumina Laboratory Services, Illumina
Classification: Likely benign for Acromicric dysplasia. Last evaluated: 2018-05-30. Review status: criteria provided, single submitter. Criteria: ICSL Variant Classification Criteria 13 December 2019. Collection method: clinical testing. Allele origin: germline.
Comment: the same text as in the submission from Illumina Laboratory Services, Illumina above.

Illumina Laboratory Services, Illumina
Classification: Likely benign for Marfan syndrome. Last evaluated: 2018-05-30. Review status: criteria provided, single submitter. Criteria: ICSL Variant Classification Criteria 13 December 2019. Collection method: clinical testing. Allele origin: germline.
Comment: This variant was observed as part of a predisposition screen in an ostensibly healthy population. A literature search was performed for the gene, cDNA change, and amino acid change (where applicable). Publications were found based on this search. The evidence from the literature, in combination with allele frequency data from public databases where available, was sufficient to determine this variant is unlikely to cause disease. Therefore, this variant is classified as likely benign.

Illumina Laboratory Services, Illumina
Classification: Likely benign for Familial thoracic aortic aneurysm and aortic dissection. Last evaluated: 2018-05-30. Review status: criteria provided, single submitter. Criteria: ICSL Variant Classification Criteria 13 December 2019. Collection method: clinical testing. Allele origin: germline.
Comment: the same text as in the submission from Illumina Laboratory Services, Illumina above.

Illumina Laboratory Services, Illumina
Classification: Likely benign for Geleophysic dysplasia. Last evaluated: 2018-05-30. Review status: criteria provided, single submitter. Criteria: ICSL Variant Classification Criteria 13 December 2019. Collection method: clinical testing. Allele origin: germline.
Comment: the same text as in the submission from Illumina Laboratory Services, Illumina above.

Illumina Laboratory Services, Illumina
Classification: Likely benign for Weill-Marchesani syndrome. Last evaluated: 2018-05-30. Review status: criteria provided, single submitter. Criteria: ICSL Variant Classification Criteria 13 December 2019. Collection method: clinical testing. Allele origin: germline.
Comment: the same text as in the submission from Illumina Laboratory Services, Illumina above.

Illumina Laboratory Services, Illumina
Classification: Likely benign for Ectopia lentis 1, isolated, autosomal dominant. Last evaluated: 2018-05-30. Review status: criteria provided, single submitter. Criteria: ICSL Variant Classification Criteria 13 December 2019. Collection method: clinical testing. Allele origin: germline.
Comment: the same text as in the submission from Illumina Laboratory Services, Illumina above.

Center for Human Genetics, Inc
Classification: Uncertain significance for Connective tissue disorder. Last evaluated: 2016-11-01. Review status: criteria provided, single submitter. Criteria: ACMG Guidelines, 2015. Collection method: clinical testing. Allele origin: germline. Affected: yes.

CSER _CC_NCGL, University of Washington
Classification: Uncertain significance for Marfan syndrome. Last evaluated: 2014-06-01. Review status: no assertion criteria provided. Collection method: research. Allele origin: germline. Inheritance: Autosomal dominant inheritance. Study: ESP 6500 variant annotation. Not counted in ClinVar's aggregate classification.
Comment: Variants classified for the Actionable exomic incidental findings in 6503 participants: challenges of variant classification manuscript

Genome Diagnostics Laboratory, University Medical Center Utrecht
Classification: Uncertain significance. Review status: no assertion criteria provided. Collection method: clinical testing. Allele origin: germline. Affected: yes. Study: VKGL Data-share Consensus. Not counted in ClinVar's aggregate classification.

Joint Genome Diagnostic Labs from Nijmegen and Maastricht, Radboudumc and MUMC+
Classification: Uncertain significance. Review status: no assertion criteria provided. Collection method: clinical testing. Allele origin: germline. Affected: yes. Study: VKGL Data-share Consensus. Not counted in ClinVar's aggregate classification.

Literature cited by the submitters: PubMed 17253931 (cited by 4 submitters); PubMed 17663468 (cited by 4 submitters); PubMed 24941995 (cited by Women's Health and Genetics/Laboratory Corporation of America, LabCorp and Illumina Laboratory Services, Illumina); PubMed 26332594 (cited by Women's Health and Genetics/Laboratory Corporation of America, LabCorp and Illumina Laboratory Services, Illumina); PubMed 25637381 (cited by Women's Health and Genetics/Laboratory Corporation of America, LabCorp and Ambry Genetics); PubMed 25812041 (cited by Women's Health and Genetics/Laboratory Corporation of America, LabCorp and Illumina Laboratory Services, Illumina); PubMed 24311428 (cited by 3 submitters); PubMed 29357934 (cited by Women's Health and Genetics/Laboratory Corporation of America, LabCorp and Ambry Genetics); PubMed 31008308 (cited by 3 submitters); PubMed 31322791 (cited by Women's Health and Genetics/Laboratory Corporation of America, LabCorp); PubMed 26684006 (cited by 3 submitters); PubMed 28254189 (cited by Ambry Genetics).